The following is an entry in ClinVar:

NM_000295.5(SERPINA1):c.-13C>T

Gene: SERPINA1 (serpin family A member 1; minus strand). Cytogenetic location: 14q32.13.
Variant type: single nucleotide variant.
Coding change: c.-13C>T on transcript NM_000295.5 (MANE Select); 13 bases upstream of the start codon, C replaced by T.
Molecular consequence: 5 prime UTR variant. On other transcripts: intron variant (2).
Genome position (GRCh38, 1-based): chr14:94,388,568, G>A on the plus strand (C>T on the coding strand, the complement: SERPINA1 is on the minus strand). VCF-style: chr14-94388568-G-A. GRCh37 (hg19) VCF-style: chr14-94854905-G-A.
Other names: c.-13C>T (NM_001002236.3, NM_001127701.2, NM_001127702.2 and 5 more transcripts); c.-5+1889C>T (NM_001002235.3); c.-5+1852C>T (NM_001127700.2).
Identifiers: ClinVar variation 4977086 (VCV004977086.1).

ClinVar aggregate classification (germline): Likely benign (1 of 4 stars; one submission).

Conditions:
SERPINA1-related disorder. Also called: SerpinA1-related disorders; SERPINA1-related condition.

Submission:

PreventionGenetics, part of Exact Sciences
Classification: Likely benign for SERPINA1-related condition. Last evaluated: 2025-04-08. Review status: criteria provided, single submitter. Criteria: ACMG Guidelines, 2015. Collection method: clinical testing. Allele origin: germline.
Comment: This variant is classified as likely benign based on ACMG/AMP sequence variant interpretation guidelines (Richards et al. 2015 PMID: 25741868, with internal and published modifications).